The following is an entry in ClinVar:

ClinVar aggregate classification (germline): Uncertain significance (1 of 4 stars; one submission).

Submission:

Labcorp Genetics (formerly Invitae), Labcorp
Classification: Uncertain significance. Last evaluated: 2023-03-08. Review status: criteria provided, single submitter. Criteria: Invitae Variant Classification Sherloc (09022015). Collection method: clinical testing. Allele origin: germline.
Comment: This sequence change replaces glycine, which is neutral and non-polar, with alanine, which is neutral and non-polar, at codon 1179 of the COL4A2 protein (p.Gly1179Ala). In summary, the available evidence is currently insufficient to determine the role of this variant in disease. Therefore, it has been classified as a Variant of Uncertain Significance. Advanced modeling of protein sequence and biophysical properties (such as structural, functional, and spatial information, amino acid conservation, physicochemical variation, residue mobility, and thermodynamic stability) performed at Invitae indicates that this missense variant is not expected to disrupt COL4A2 protein function. This variant has not been reported in the literature in individuals affected with COL4A2-related conditions. This variant is not present in population databases (gnomAD no frequency).

NM_001846.4(COL4A2):c.3536G>C (p.Gly1179Ala)

Gene: COL4A2 (collagen type IV alpha 2 chain; plus strand). Cytogenetic location: 13q34.
Variant type: single nucleotide variant.
Coding change: c.3536G>C on transcript NM_001846.4 (MANE Select); coding-DNA position 3536, G replaced by C.
Protein change: p.Gly1179Ala; replaces glycine 1179 with alanine.
Molecular consequence: missense variant.
Genome position (GRCh38, 1-based): chr13:110,492,151, G>C. VCF-style: chr13-110492151-G-C. GRCh37 (hg19) VCF-style: chr13-111144498-G-C.
Other names: short protein forms G1179A.
Identifiers: ClinVar variation 2834180 (VCV002834180.3), dbSNP rs2502182754, ClinGen allele CA388732499.